The following is an entry in ClinVar:

ClinVar aggregate classification (germline): Likely pathogenic. Review status: criteria provided, single submitter (1 of 4 stars). 2 submissions from 2 submitters: Likely pathogenic (1). 1 of the submissions does not count toward it. Last evaluated 2020-09-23.

Conditions:
OTC-related disorder. Also called: OTC-related condition.

Submissions (2):

Blueprint Genetics
Classification: Likely pathogenic for OTC-related disorders. Last evaluated: 2020-09-23. Review status: criteria provided, single submitter. Criteria: ACMG Guidelines, 2015. Collection method: clinical testing. Allele origin: germline. Affected: yes. Observed: 1 variant allele.

GenMed Metabolism Lab
Classification: Pathogenic. Review status: no assertion criteria provided. Collection method: not provided. Allele origin: unknown. Not counted in ClinVar's aggregate classification.
Comment: p.Pro225Thr, Late
ClinVar note: Converted during submission from pathogenic to Pathogenic.

NM_000531.6(OTC):c.673C>A (p.Pro225Thr)

Gene: OTC (ornithine transcarbamylase; plus strand). Cytogenetic location: Xp11.4.
Variant type: single nucleotide variant.
Coding change: c.673C>A on transcript NM_000531.6 (MANE Select); coding-DNA position 673, C replaced by A.
Protein change: p.Pro225Thr; replaces proline 225 with threonine.
Molecular consequence: missense variant.
Genome position (GRCh38, 1-based): chrX:38,408,751, C>A. VCF-style: chrX-38408751-C-A. GRCh37 (hg19) VCF-style: chrX-38268004-C-A.
Other names: short protein forms P225T.
Identifiers: ClinVar variation 97290 (VCV000097290.3), dbSNP rs72558428, ClinGen allele CA224739.